The following is an entry in ClinVar:

NM_000383.4(AIRE):c.347C>T (p.Pro116Leu)

Gene: AIRE (autoimmune regulator; plus strand). Cytogenetic location: 21q22.3.
Variant type: single nucleotide variant.
Coding change: c.347C>T on transcript NM_000383.4 (MANE Select); coding-DNA position 347, C replaced by T.
Protein change: p.Pro116Leu; replaces proline 116 with leucine.
Molecular consequence: missense variant.
Genome position (GRCh38, 1-based): chr21:44,287,017, C>T. VCF-style: chr21-44287017-C-T. GRCh37 (hg19) VCF-style: chr21-45706900-C-T.
Other names: c.347C>T (NM_000383.2); short protein forms P116L.
Identifiers: ClinVar variation 644559 (VCV000644559.38), dbSNP rs151049459, ClinGen allele CA10051535.

ClinVar aggregate classification (germline): Uncertain significance. Review status: criteria provided, multiple submitters, no conflicts (2 of 4 stars). 4 submissions from 4 submitters: Uncertain significance (3). 1 of the submissions does not count toward it. Last evaluated 2025-01-20.

Conditions:
Inborn genetic diseases. Identifiers: MedGen C0950123, MeSH D030342.
Polyglandular autoimmune syndrome, type 1 (APS1). Also called: Autoimmune polyendocrinopathy syndrome , type I, with or without reversible metaphyseal dysplasia; AUTOIMMUNE POLYENDOCRINE SYNDROME, TYPE I, WITH OR WITHOUT REVERSIBLE METAPHYSEAL DYSPLASIA; Whitaker syndrome; HYPOADRENOCORTICISM WITH HYPOPARATHYROIDISM AND SUPERFICIAL MONILIASIS; PGA I; Autoimmune polyendocrine syndrome type 1. Identifiers: Orphanet 3453, MedGen C0085859, MONDO:0009411, OMIM 240300.

Allele frequency attached by ClinVar (database versions not stated): ExAC 0.00003; gnomAD 0.00004 and 0.00005; TOPMed 0.00004; gnomAD exomes 0.00005; ESP Exome Variant Server 0.00016.
gnomAD v4.1: 76 of 1,612,686 alleles (0.0047%); highest among the groups gnomAD compares: Non-Finnish European, 0.0053%; no homozygotes.

Submissions (4):

Labcorp Genetics (formerly Invitae), Labcorp
Classification: Uncertain significance for Polyglandular autoimmune syndrome, type 1. Last evaluated: 2025-01-20. Review status: criteria provided, single submitter. Criteria: Invitae Variant Classification Sherloc (09022015). Collection method: clinical testing. Allele origin: germline.
Comment: This sequence change replaces proline, which is neutral and non-polar, with leucine, which is neutral and non-polar, at codon 116 of the AIRE protein (p.Pro116Leu). This variant is present in population databases (rs151049459, gnomAD 0.008%). This variant has not been reported in the literature in individuals affected with AIRE-related conditions. ClinVar contains an entry for this variant (Variation ID: 644559). Invitae Evidence Modeling of protein sequence and biophysical properties (such as structural, functional, and spatial information, amino acid conservation, physicochemical variation, residue mobility, and thermodynamic stability) indicates that this missense variant is not expected to disrupt AIRE protein function with a negative predictive value of 95%. In summary, the available evidence is currently insufficient to determine the role of this variant in disease. Therefore, it has been classified as a Variant of Uncertain Significance.

Ambry Genetics
Classification: Uncertain significance for Inborn genetic diseases. Last evaluated: 2024-05-22. Review status: criteria provided, single submitter. Criteria: Ambry Variant Classification Scheme 2023. Collection method: clinical testing. Allele origin: germline.

CeGaT Center for Human Genetics Tuebingen
Classification: Uncertain significance. Last evaluated: 2022-07-01. Review status: criteria provided, single submitter. Criteria: CeGaT Center For Human Genetics Tuebingen Variant Classification Criteria Version 2. Collection method: clinical testing. Allele origin: germline. Affected: yes. Observed: 1 variant allele.

Natera, Inc.
Classification: Uncertain significance for Polyglandular autoimmune syndrome type 1. Last evaluated: 2020-01-24. Review status: no assertion criteria provided. Collection method: clinical testing. Allele origin: germline. Not counted in ClinVar's aggregate classification.